The following is an entry in ClinVar:

ClinVar aggregate classification (germline): Uncertain significance (0 of 4 stars; one submission).

Conditions:
DNMT3A-related disorder. Also called: DNMT3A-related disorders; DNMT3A-related condition.

Submission:

PreventionGenetics, part of Exact Sciences
Classification: Uncertain significance for DNMT3A-related condition. Last evaluated: 2024-09-02. Review status: no assertion criteria provided. Collection method: clinical testing. Allele origin: germline.
Comment: The DNMT3A c.43C>T variant is predicted to result in the amino acid substitution p.Pro15Ser. To our knowledge, this variant has not been reported in the literature or in a large population database, indicating this variant is rare. At this time, the clinical significance of this variant is uncertain due to the absence of conclusive functional and genetic evidence.

NM_022552.5(DNMT3A):c.640-3800C>T

Gene: DNMT3A (DNA methyltransferase 3 alpha; minus strand). Cytogenetic location: 2p23.3.
Variant type: single nucleotide variant.
Coding change: c.640-3800C>T on transcript NM_022552.5 (MANE Select); 3800 bases into the intron before coding-DNA position 640, C replaced by T.
Molecular consequence: intron variant. On other transcripts: missense variant (1).
Genome position (GRCh38, 1-based): chr2:25,252,052, G>A on the plus strand (C>T on the coding strand, the complement: DNMT3A is on the minus strand). VCF-style: chr2-25252052-G-A. GRCh37 (hg19) VCF-style: chr2-25474921-G-A.
Other names: c.43C>T, p.Pro15Ser (NM_001320893.1); c.640-3800C>T (NM_175629.2); c.4+142C>T (NM_153759.3); c.-31+142C>T (NM_001375819.1); short protein forms P15S.
Identifiers: ClinVar variation 3353832 (VCV003353832.1).